The following is an entry in ClinVar:

NM_001128159.3(VPS53):c.1787+156A>G

Gene: VPS53 (VPS53 subunit of GARP complex; minus strand). Cytogenetic location: 17p13.3.
Variant type: single nucleotide variant.
Coding change: c.1787+156A>G on transcript NM_001128159.3 (MANE Select); 156 bases into the intron after coding-DNA position 1787, A replaced by G.
Molecular consequence: intron variant.
Genome position (GRCh38, 1-based): chr17:553,224, T>C on the plus strand (A>G on the coding strand, the complement: VPS53 is on the minus strand). VCF-style: chr17-553224-T-C. GRCh37 (hg19) VCF-style: chr17-456464-T-C.
Other names: c.1700+156A>G (NM_018289.4); c.1787+156A>G (NM_001366253.2); c.1193+156A>G (NM_001366254.2).
Identifiers: ClinVar variation 672327 (VCV000672327.2), dbSNP rs149996743, ClinGen allele CA286404986.

ClinVar aggregate classification (germline): Likely benign. Review status: criteria provided, multiple submitters, no conflicts (2 of 4 stars). 2 submissions from 2 submitters: Likely benign (2). Last evaluated 2018-06-16.

Allele frequency attached by ClinVar (database versions not stated): gnomAD 0.03194 and 0.03209; gnomAD exomes 0.03409; TOPMed 0.08647; 1000 Genomes Project 0.10264.
gnomAD v4.1: 14,512 of 433,826 alleles (3.3%); highest among the groups gnomAD compares: South Asian, 5%; 341 homozygotes.

Submissions (2):

GeneDx
Classification: Likely benign. Last evaluated: 2018-06-16. Review status: criteria provided, single submitter. Criteria: GeneDx Variant Classification (06012015). Collection method: clinical testing. Allele origin: germline. Affected: yes.
Comment: This variant is considered likely benign or benign based on one or more of the following criteria: it is a conservative change, it occurs at a poorly conserved position in the protein, it is predicted to be benign by multiple in silico algorithms, and/or has population frequency not consistent with disease.

Breakthrough Genomics
Classification: Likely benign. Review status: criteria provided, single submitter. Criteria: ACMG Guidelines, 2015. Collection method: not provided. Allele origin: germline. Inheritance: Autosomal recessive inheritance. Affected: yes.